The following is an entry in ClinVar:

ClinVar aggregate classification (germline): Pathogenic. Review status: criteria provided, multiple submitters, no conflicts (2 of 4 stars). 6 submissions from 6 submitters: Pathogenic (5). 1 of the submissions does not count toward it. Last evaluated 2024-04-04.

Conditions:
Tuberous sclerosis syndrome (TSC). Also called: Tuberous Sclerosis Complex; Tuberous sclerosis. Identifiers: Orphanet 805, MedGen C0041341, MONDO:0001734.
Tuberous sclerosis 2 (TSC2). Identifiers: Orphanet 805, MedGen C1860707, MONDO:0013199, OMIM 613254.

Submissions (6):

Genomic Medicine Center of Excellence, King Faisal Specialist Hospital and Research Centre
Classification: Pathogenic for Tuberous sclerosis 2. Last evaluated: 2024-04-04. Review status: criteria provided, single submitter. Criteria: ACMG Guidelines, 2015. Collection method: clinical testing. Allele origin: germline.

Labcorp Genetics (formerly Invitae), Labcorp
Classification: Pathogenic for Tuberous sclerosis 2. Last evaluated: 2023-04-28. Review status: criteria provided, single submitter. Criteria: Invitae Variant Classification Sherloc (09022015). Collection method: clinical testing. Allele origin: germline.
Comment: For these reasons, this variant has been classified as Pathogenic. ClinVar contains an entry for this variant (Variation ID: 50097). This premature translational stop signal has been observed in individual(s) with clinical features of TSC2-related conditions (PMID: 21520333). This variant is not present in population databases (gnomAD no frequency). This sequence change creates a premature translational stop signal (p.Gln1588*) in the TSC2 gene. It is expected to result in an absent or disrupted protein product. Loss-of-function variants in TSC2 are known to be pathogenic (PMID: 10205261, 17304050).

Genome-Nilou Lab
Classification: Pathogenic for Tuberous sclerosis 2. Last evaluated: 2021-11-07. Review status: criteria provided, single submitter. Criteria: ACMG Guidelines, 2015. Collection method: clinical testing. Allele origin: germline. Affected: no.

Mayo Clinic Laboratories, Mayo Clinic
Classification: Pathogenic. Last evaluated: 2019-12-11. Review status: criteria provided, single submitter. Criteria: ACMG Guidelines, 2015. Collection method: clinical testing. Allele origin: germline. Observed: 1 variant allele.
Comment: PVS1, PM2, PP4

Athena Diagnostics
Classification: Pathogenic. Last evaluated: 2018-11-05. Review status: criteria provided, single submitter. Criteria: Athena Diagnostics Criteria. Collection method: clinical testing. Allele origin: germline.
Comment: The variant creates a premature nonsense codon, and is therefore predicted to result in the loss of a functional protein. Found in at least one symptomatic patient, and not found in general population data.

Tuberous sclerosis database (TSC2)
No classification provided. Condition: TSC. Review status: no classification provided. Criteria: Tuberous Sclerosis Database Assertion Criteria 2015. Collection method: curation. Allele origin: germline. Affected: yes. Not counted in ClinVar's aggregate classification.

Literature cited by the submitters: PubMed 21520333 (cited by Labcorp Genetics (formerly Invitae), Labcorp); PubMed 10205261 (cited by Labcorp Genetics (formerly Invitae), Labcorp); PubMed 17304050 (cited by 3 submitters); PubMed 27494029 (cited by Mayo Clinic Laboratories, Mayo Clinic and Athena Diagnostics).

NM_000548.5(TSC2):c.4762C>T (p.Gln1588Ter)

Gene: TSC2 (TSC complex subunit 2; plus strand). Cytogenetic location: 16p13.3.
Variant type: single nucleotide variant.
Coding change: c.4762C>T on transcript NM_000548.5 (MANE Select); coding-DNA position 4762, C replaced by T.
Protein change: p.Gln1588Ter; replaces glutamine 1588 with a stop codon.
Molecular consequence: nonsense.
Genome position (GRCh38, 1-based): chr16:2,086,292, C>T. VCF-style: chr16-2086292-C-T. GRCh37 (hg19) VCF-style: chr16-2136293-C-T.
Other names: c.4561C>T, p.Gln1521Ter (NM_001077183.3); c.4693C>T, p.Gln1565Ter (NM_001114382.3); c.4453C>T, p.Gln1485Ter (NM_001318827.2); c.4417C>T, p.Gln1473Ter (NM_001318829.2); c.4030C>T, p.Gln1344Ter (NM_001318831.2); c.4594C>T, p.Gln1532Ter (NM_001318832.2); c.4564C>T, p.Gln1522Ter (NM_001363528.2); c.4630C>T, p.Gln1544Ter (NM_001370404.1); and 2 more; short protein forms Q1588*, Q1485*, Q1521*, Q1544*, Q1344*, Q1545*, Q1522*, Q1565*.
Identifiers: ClinVar variation 50097 (VCV000050097.18), dbSNP rs45479192, ClinGen allele CA020985.